The following is an entry in ClinVar:

ClinVar aggregate classification (germline): Likely benign (0 of 4 stars; one submission).

Conditions:
SCRIB-related disorder. Also called: SCRIB-related condition.

Allele frequency attached by ClinVar (database versions not stated): ExAC 0.00004; gnomAD 0.00015.
gnomAD v4.1: 165 of 1,358,296 alleles (0.012%); highest among the groups gnomAD compares: East Asian, 0.042%; no homozygotes.

Submission:

PreventionGenetics, part of Exact Sciences
Classification: Likely benign for SCRIB-related condition. Last evaluated: 2019-07-22. Review status: no assertion criteria provided. Collection method: clinical testing. Allele origin: germline.
Comment: This variant is classified as likely benign based on ACMG/AMP sequence variant interpretation guidelines (Richards et al. 2015 PMID: 25741868, with internal and published modifications).

NM_182706.5(SCRIB):c.3426G>A (p.Thr1142=)

Gene: SCRIB (scribble planar cell polarity protein; minus strand). Cytogenetic location: 8q24.3.
Variant type: single nucleotide variant.
Coding change: c.3426G>A on transcript NM_182706.5 (MANE Select); coding-DNA position 3426, G replaced by A.
Protein change: p.Thr1142=; no amino-acid change (threonine 1142 retained).
Molecular consequence: synonymous variant.
Genome position (GRCh38, 1-based): chr8:143,803,560, C>T on the plus strand (G>A on the coding strand, the complement: SCRIB is on the minus strand). VCF-style: chr8-143803560-C-T. GRCh37 (hg19) VCF-style: chr8-144885730-C-T.
Other names: c.3426G>A, p.Thr1142= (NM_015356.5).
Identifiers: ClinVar variation 3050376 (VCV003050376.2), dbSNP rs782309851, ClinGen allele CA4918711.